The following is an entry in ClinVar:

NM_001698.3(AUH):c.656-2_656-1del

Gene: AUH (AU RNA binding methylglutaconyl-CoA hydratase; minus strand). Cytogenetic location: 9q22.31.
Variant type: Deletion.
Coding change: c.656-2_656-1del on transcript NM_001698.3 (MANE Select); the canonical splice acceptor site of the intron before coding-DNA position 656, 2 bases deleted (AG; older notation c.656-2_656-1delAG).
Molecular consequence: splice acceptor variant.
Genome position (GRCh38, 1-based): chr9:91,220,993-91,220,994, CT deleted on the plus strand (AG on the coding strand, the reverse complement: AUH is on the minus strand). VCF-style (leftmost placement, unchanged base first): chr9-91220992-CCT-C. GRCh37 (hg19) VCF-style: chr9-93983274-CCT-C.
Other names: c.569-2_569-1del (NM_001306190.2); c.329-2_329-1del (NM_001351433.2, NM_001351431.2, NM_001351432.2); c.656-2_656-1del (NM_001698.2); c.656-2_656-1delAG (NM_001698.3).
Identifiers: ClinVar variation 1067674 (VCV001067674.13), dbSNP rs757748207, ClinGen allele CA5119763.

ClinVar aggregate classification (germline): Likely pathogenic. Review status: criteria provided, multiple submitters, no conflicts (2 of 4 stars). 5 submissions from 5 submitters: Likely pathogenic (5). Last evaluated 2024-11-21.

Conditions:
AUH-related disorder. Also called: AUH-related condition.
3-methylglutaconic aciduria type 1 (MGCA1). Identifiers: Orphanet 67046, MedGen C0342727, MONDO:0009610, OMIM 250950.

Allele frequency attached by ClinVar (database versions not stated): gnomAD exomes 0.00001 and 0.00002; TOPMed 0.00002; ExAC 0.00004; gnomAD 0.00004; ESP Exome Variant Server 0.00016.

Submissions (5):

Mayo Clinic Laboratories, Mayo Clinic
Classification: Likely pathogenic. Last evaluated: 2024-11-21. Review status: criteria provided, single submitter. Criteria: ACMG Guidelines, 2015. Collection method: clinical testing. Allele origin: germline. Observed: 1 variant allele.
Comment: PM2_supporting, PVS1

Women's Health and Genetics/Laboratory Corporation of America, LabCorp
Classification: Likely pathogenic for 3-methylglutaconic aciduria type 1. Last evaluated: 2024-09-25. Review status: criteria provided, single submitter. Criteria: LabCorp Variant Classification Summary - May 2015. Collection method: clinical testing. Allele origin: germline.
Comment: Variant summary: AUH c.656-2_656-1delAG is located in a canonical splice-site and is predicted to affect mRNA splicing resulting in a significantly altered protein due to either exon skipping, shortening, or inclusion of intronic material. Variants that disrupt the consensus splice site are a relatively common cause of aberrant splicing and loss of AUH function. Several computational tools predict a significant impact on normal splicing: Four predict the variant abolishes a 3' acceptor site. However, these predictions have yet to be confirmed by functional studies. The variant allele was found at a frequency of 2.4e-05 in 251210 control chromosomes (gnomAD). To our knowledge, no occurrence of c.656-2_656-1delAG in individuals affected with 3-Methylglutaconic Aciduria Type 1 and no experimental evidence demonstrating its impact on protein function have been reported. ClinVar contains an entry for this variant (Variation ID: 1067674). Based on the evidence outlined above, the variant was classified as likely pathogenic.

Blueprint Genetics
Classification: Likely pathogenic for AUH-related disorders. Last evaluated: 2024-06-17. Review status: criteria provided, single submitter. Criteria: ACMG Guidelines, 2015. Collection method: clinical testing. Allele origin: germline. Affected: yes. Observed: 5 variant alleles.

GeneDx
Classification: Likely pathogenic. Last evaluated: 2023-08-08. Review status: criteria provided, single submitter. Criteria: GeneDx Variant Classification Process June 2021. Collection method: clinical testing. Allele origin: germline. Affected: yes.
Comment: Canonical splice site variant predicted to result in a null allele in a gene for which loss of function is a known mechanism of disease; Not observed at significant frequency in large population cohorts (gnomAD); Has not been previously published as pathogenic or benign to our knowledge

Labcorp Genetics (formerly Invitae), Labcorp
Classification: Likely pathogenic for 3-methylglutaconic aciduria type 1. Last evaluated: 2022-11-11. Review status: criteria provided, single submitter. Criteria: Invitae Variant Classification Sherloc (09022015). Collection method: clinical testing. Allele origin: germline.
Comment: Algorithms developed to predict the effect of sequence changes on RNA splicing suggest that this variant may disrupt the consensus splice site. In summary, the currently available evidence indicates that the variant is pathogenic, but additional data are needed to prove that conclusively. Therefore, this variant has been classified as Likely Pathogenic. ClinVar contains an entry for this variant (Variation ID: 1067674). Disruption of this splice site has been observed in individual(s) with clinical feature of AUH-related conditions (Invitae). This variant is present in population databases (rs757748207, gnomAD 0.004%). This sequence change affects a splice site in intron 6 of the AUH gene. It is expected to disrupt RNA splicing. Variants that disrupt the donor or acceptor splice site typically lead to a loss of protein function (PMID: 16199547), and loss-of-function variants in AUH are known to be pathogenic (PMID: 12655555, 20882351).

Literature cited by the submitters: PubMed 16199547 (cited by Labcorp Genetics (formerly Invitae), Labcorp); PubMed 12655555 (cited by Labcorp Genetics (formerly Invitae), Labcorp); PubMed 20882351 (cited by Labcorp Genetics (formerly Invitae), Labcorp).